The following is an entry in ClinVar:

NM_000454.5(SOD1):c.93G>C (p.Lys31Asn)

Gene: SOD1 (superoxide dismutase 1; plus strand). Cytogenetic location: 21q22.11.
Variant type: single nucleotide variant.
Coding change: c.93G>C on transcript NM_000454.5 (MANE Select); coding-DNA position 93, G replaced by C.
Protein change: p.Lys31Asn; replaces lysine 31 with asparagine.
Molecular consequence: missense variant.
Genome position (GRCh38, 1-based): chr21:31,663,810, G>C. VCF-style: chr21-31663810-G-C. GRCh37 (hg19) VCF-style: chr21-33036123-G-C.
Other names: short protein forms K31N.
Identifiers: ClinVar variation 1396752 (VCV001396752.6), dbSNP rs2123431867, ClinGen allele CA410036568.
Genomic context (GRCh38, chr21:31,663,810, plus strand): 5'-TTGTTCAGAAACTCTCTCCAACTTTGCACTTTTCTTAAAGGAAAGTAATGGACCAGTGAA[G>C]GTGTGGGGAAGCATTAAAGGACTGACTGAAGGCCTGCATGGATTCCATGTTCATGAGTTT-3'
Protein context (NP_000445.1, residues 21-41): FEQKESNGPV[Lys31Asn]VWGSIKGLTE

ClinVar aggregate classification (germline): Uncertain significance (1 of 4 stars; one submission).

Conditions:
Amyotrophic lateral sclerosis type 1 (ALS1). Also called: AMYOTROPHIC LATERAL SCLEROSIS 1, FAMILIAL. Identifiers: Orphanet 803, MedGen C1862939, MONDO:0007103, OMIM 105400.

Submission:

Labcorp Genetics (formerly Invitae), Labcorp
Classification: Uncertain significance for Amyotrophic lateral sclerosis type 1. Last evaluated: 2022-06-15. Review status: criteria provided, single submitter. Criteria: Invitae Variant Classification Sherloc (09022015). Collection method: clinical testing. Allele origin: germline.
Comment: This sequence change replaces lysine, which is basic and polar, with asparagine, which is neutral and polar, at codon 31 of the SOD1 protein (p.Lys31Asn). In summary, the available evidence is currently insufficient to determine the role of this variant in disease. Therefore, it has been classified as a Variant of Uncertain Significance. Advanced modeling of protein sequence and biophysical properties (such as structural, functional, and spatial information, amino acid conservation, physicochemical variation, residue mobility, and thermodynamic stability) performed at Invitae indicates that this missense variant is not expected to disrupt SOD1 protein function. This missense change has been observed in individual(s) with clinical features of amyotrophic lateral sclerosis (Invitae). This variant is not present in population databases (gnomAD no frequency).